The following is an entry in ClinVar:

NM_004595.5(SMS):c.831G>T (p.Leu277Phe)

Gene: SMS (spermine synthase; plus strand). Cytogenetic location: Xp22.11.
Variant type: single nucleotide variant.
Coding change: c.831G>T on transcript NM_004595.5 (MANE Select); coding-DNA position 831, G replaced by T.
Protein change: p.Leu277Phe; replaces leucine 277 with phenylalanine.
Molecular consequence: missense variant.
Genome position (GRCh38, 1-based): chrX:21,984,384, G>T. VCF-style: chrX-21984384-G-T. GRCh37 (hg19) VCF-style: chrX-22002502-G-T.
Other names: c.672G>T, p.Leu224Phe (NM_001258423.2); short protein forms L277F, L224F.
Identifiers: ClinVar variation 421087 (VCV000421087.2), dbSNP rs1064794901, ClinGen allele CA16621304.

ClinVar aggregate classification (germline): Likely pathogenic (1 of 4 stars; one submission).

Submission:

GeneDx
Classification: Likely pathogenic. Last evaluated: 2016-05-03. Review status: criteria provided, single submitter. Criteria: GeneDx Variant Classification (06012015). Collection method: clinical testing. Allele origin: germline. Affected: yes.
Comment: The L277F variant in the SMS gene has not been reported previously as a pathogenic variant, nor as a benign variant, to our knowledge. This variant was not observed in approximately 6500 individuals of European and African American ancestry in the NHLBI Exome Sequencing Project, indicating it is not a common benign variant in these populations. The L277F variant is a conservative amino acid substitution, which is not likely to impact secondary protein structure as these residues share similar properties. However, this substitution occurs at a position that is conserved across species, and in silico analysis predicts this variant is probably damaging to the protein structure/function. The L277F variant is a strong candidate for a pathogenic variant, however the possibility it may be a rare benign variant cannot be excluded.